The following is an entry in ClinVar:

ClinVar aggregate classification (germline): Uncertain significance (1 of 4 stars; one submission).

Allele frequency attached by ClinVar (database versions not stated): gnomAD exomes below 0.00001.
gnomAD v4.1: 3 of 1,612,926 alleles (0.00019%); highest among the groups gnomAD compares: Admixed American, 0.0033%; no homozygotes.

Submission:

Labcorp Genetics (formerly Invitae), Labcorp
Classification: Uncertain significance. Last evaluated: 2025-09-29. Review status: criteria provided, single submitter. Criteria: Invitae Variant Classification Sherloc (09022015). Collection method: clinical testing. Allele origin: germline.
Comment: This sequence change replaces glycine, which is neutral and non-polar, with arginine, which is basic and polar, at codon 1112 of the CARMIL2 protein (p.Gly1112Arg). This variant is not present in population databases (gnomAD no frequency). This variant has not been reported in the literature in individuals affected with CARMIL2-related conditions. ClinVar contains an entry for this variant (Variation ID: 1493069). Invitae Evidence Modeling of protein sequence and biophysical properties (such as structural, functional, and spatial information, amino acid conservation, physicochemical variation, residue mobility, and thermodynamic stability) indicates that this missense variant is not expected to disrupt CARMIL2 protein function with a negative predictive value of 80%. In summary, the available evidence is currently insufficient to determine the role of this variant in disease. Therefore, it has been classified as a Variant of Uncertain Significance.

NM_001013838.3(CARMIL2):c.3334G>C (p.Gly1112Arg)

Gene: CARMIL2 (capping protein regulator and myosin 1 linker 2; plus strand). Cytogenetic location: 16q22.1.
Variant type: single nucleotide variant.
Coding change: c.3334G>C on transcript NM_001013838.3 (MANE Select); coding-DNA position 3334, G replaced by C.
Protein change: p.Gly1112Arg; replaces glycine 1112 with arginine.
Molecular consequence: missense variant.
Genome position (GRCh38, 1-based): chr16:67,654,444, G>C. VCF-style: chr16-67654444-G-C. GRCh37 (hg19) VCF-style: chr16-67688347-G-C.
Other names: c.3226G>C, p.Gly1076Arg (NM_001317026.3); short protein forms G1112R, G1076R.
Identifiers: ClinVar variation 1493069 (VCV001493069.6), dbSNP rs2142947609, ClinGen allele CA396344588.